The following is an entry in ClinVar:

NM_000352.6(ABCC8):c.3034C>T (p.Leu1012=)

Gene: ABCC8 (ATP binding cassette subfamily C member 8; minus strand). Cytogenetic location: 11p15.1.
Variant type: single nucleotide variant.
Coding change: c.3034C>T on transcript NM_000352.6 (MANE Select); coding-DNA position 3034, C replaced by T.
Protein change: p.Leu1012=; no amino-acid change (leucine 1012 retained).
Molecular consequence: synonymous variant. On other transcripts: non-coding transcript variant (1).
Genome position (GRCh38, 1-based): chr11:17,407,016, G>A on the plus strand (C>T on the coding strand, the complement: ABCC8 is on the minus strand). VCF-style: chr11-17407016-G-A. GRCh37 (hg19) VCF-style: chr11-17428563-G-A.
Other names: c.3037C>T, p.Leu1013= (NM_001287174.3); c.3100C>T, p.Leu1034= (NM_001351295.2); c.3034C>T, p.Leu1012= (NM_001351296.2); c.3031C>T, p.Leu1011= (NM_001351297.2).
Identifiers: ClinVar variation 4991555 (VCV004991555.1).
Genomic context (GRCh38, chr11:17,407,016, plus strand): 5'-AGTAGTCGATGGCCACCAGGACCATGTGCTTGAGCAGCTGTGAGAAGACCAGCAACGACA[G>A]GAGCAGGATGCCGGCGGAGGACAGGTACTTGGCGCAGGCTCGCCATGGGATCTCAGCACG-3'
Protein context (NP_000343.2, residues 1002-1022): KYLSSAGILL[Leu1012=]SLLVFSQLLK

ClinVar aggregate classification (germline): Uncertain significance (1 of 4 stars; one submission).

Conditions:
ABCC8-related disorder.

gnomAD v4.1: 1 of 1,614,202 alleles (0.000062%); highest among the groups gnomAD compares: South Asian, 0.0011%; no homozygotes.

Submission:

PreventionGenetics, part of Exact Sciences
Classification: Uncertain significance for ABCC8-related condition. Last evaluated: 2026-05-26. Review status: criteria provided, single submitter. Criteria: ACMG Guidelines, 2015. Collection method: clinical testing. Allele origin: germline.
Comment: The ABCC8 c.3034C>T variant is not predicted to result in an amino acid change (p.=). This variant is predicted to impact splicing based on splicing prediction program (Splice AI, Jaganathan et al. 2019. PubMed ID: 30661751). However, the use of computer predication program is not equivalent to funcational evidence. To our knowledge, this variant has not been reported in the literature. This variant is reported in 0.0033% of alleles in individuals of South Asian descent in gnomAD. At this time, the clinical significance of this variant is uncertain due to the absence of conclusive functional and genetic evidence.